The following is an entry in ClinVar:

ClinVar aggregate classification (germline): Conflicting classifications of pathogenicity. Review status: criteria provided, conflicting classifications (1 of 4 stars). 3 submissions from 3 submitters: Uncertain significance (2); Likely benign (1). Last evaluated 2025-06-10.

Conditions:
KIF1B-related disorder. Also called: KIF1B-related condition.
Charcot-Marie-Tooth disease type 2. Also called: Charcot-Marie-Tooth type 2. Identifiers: Orphanet 64746, MedGen C0270914, MONDO:0018993.

Allele frequency attached by ClinVar (database versions not stated): gnomAD 0.00013 and 0.00016; ExAC 0.00002; TOPMed 0.00016; gnomAD exomes 0.00001.
gnomAD v4.1: 33 of 1,613,888 alleles (0.002%); highest among the groups gnomAD compares: African/African-American, 0.04%; no homozygotes.

Submissions (3):

Ambry Genetics
Classification: Likely benign. Last evaluated: 2025-06-10. Review status: criteria provided, single submitter. Criteria: Ambry Variant Classification Scheme 2023. Collection method: clinical testing. Allele origin: germline.

Labcorp Genetics (formerly Invitae), Labcorp
Classification: Uncertain significance for Charcot-Marie-Tooth disease type 2. Last evaluated: 2023-11-29. Review status: criteria provided, single submitter. Criteria: Invitae Variant Classification Sherloc (09022015). Collection method: clinical testing. Allele origin: germline.
Comment: This sequence change replaces serine, which is neutral and polar, with asparagine, which is neutral and polar, at codon 998 of the KIF1B protein (p.Ser998Asn). This variant is present in population databases (rs769602520, gnomAD 0.03%). This variant has not been reported in the literature in individuals affected with KIF1B-related conditions. ClinVar contains an entry for this variant (Variation ID: 1489493). Algorithms developed to predict the effect of missense changes on protein structure and function output the following: SIFT: "Not Available"; PolyPhen-2: "Benign"; Align-GVGD: "Not Available". The asparagine amino acid residue is found in multiple mammalian species, which suggests that this missense change does not adversely affect protein function. In summary, the available evidence is currently insufficient to determine the role of this variant in disease. Therefore, it has been classified as a Variant of Uncertain Significance.

PreventionGenetics, part of Exact Sciences
Classification: Uncertain significance for KIF1B-related condition. Last evaluated: 2023-05-30. Review status: criteria provided, single submitter. Criteria: ACMG Guidelines, 2015. Collection method: clinical testing. Allele origin: germline.
Comment: The KIF1B c.2993G>A variant is predicted to result in the amino acid substitution p.Ser998Asn. To our knowledge, this variant has not been reported in the literature. This variant is reported in 0.024% of alleles in individuals of African descent in gnomAD and has conflicting interpretations regarding it pathogenicity in ClinVar, ranging from uncertain significance to likely benign. At this time, the clinical significance of this variant is uncertain due to the absence of conclusive functional and genetic evidence.

NM_001365951.3(KIF1B):c.3131G>A (p.Ser1044Asn)

Gene: KIF1B (kinesin family member 1B; plus strand). Cytogenetic location: 1p36.22.
Variant type: single nucleotide variant.
Coding change: c.3131G>A on transcript NM_001365951.3 (MANE Select); coding-DNA position 3131, G replaced by A.
Protein change: p.Ser1044Asn; replaces serine 1044 with asparagine.
Molecular consequence: missense variant.
Genome position (GRCh38, 1-based): chr1:10,337,075, G>A. VCF-style: chr1-10337075-G-A. GRCh37 (hg19) VCF-style: chr1-10397133-G-A.
Other names: c.3131G>A, p.Ser1044Asn (NM_001365952.1); c.2993G>A, p.Ser998Asn (NM_015074.3); short protein forms S1044N, S998N.
Identifiers: ClinVar variation 1489493 (VCV001489493.12), dbSNP rs769602520, ClinGen allele CA581720.
Genomic context (GRCh38, chr1:10,337,075, plus strand): 5'-TGGGGAAAAATACGTTTTTATACTACTTTACCATGTATCTGCCCCTGCCTTTTTTTCAGA[G>A]TGACTTTTCGTCTGTTGCAATGACTCGTTCTGGTCTGTCCTTGGAGGAGTTGAGGATTGT-3'
Protein context (NP_001352880.1, residues 1034-1054): ISFDNEYFNQ[Ser1044Asn]DFSSVAMTRS